The following is an entry in ClinVar:

ClinVar aggregate classification (germline): Uncertain significance. Review status: criteria provided, multiple submitters, no conflicts (2 of 4 stars). 2 submissions from 2 submitters: Uncertain significance (2). Last evaluated 2023-11-03.

Conditions:
Inborn genetic diseases. Identifiers: MedGen C0950123, MeSH D030342.
Congenital myasthenic syndrome 8. Also called: MYASTHENIC SYNDROME, CONGENITAL, DUE TO AGRIN DEFICIENCY; Myasthenic syndrome, congenital, 8, with pre- and postsynaptic defects. Identifiers: Orphanet 590, MedGen C3808739, MONDO:0014052, OMIM 615120.

Allele frequency attached by ClinVar (database versions not stated): TOPMed 0.00018.
gnomAD v4.1: 40 of 1,571,204 alleles (0.0025%); highest among the groups gnomAD compares: African/African-American, 0.039%; no homozygotes.

Submissions (2):

Ambry Genetics
Classification: Uncertain significance for Inborn genetic diseases. Last evaluated: 2023-11-03. Review status: criteria provided, single submitter. Criteria: Ambry Variant Classification Scheme 2023. Collection method: clinical testing. Allele origin: germline.

Labcorp Genetics (formerly Invitae), Labcorp
Classification: Uncertain significance for Congenital myasthenic syndrome 8. Last evaluated: 2022-10-13. Review status: criteria provided, single submitter. Criteria: Invitae Variant Classification Sherloc (09022015). Collection method: clinical testing. Allele origin: germline.
Comment: This sequence change replaces arginine, which is basic and polar, with histidine, which is basic and polar, at codon 1308 of the AGRN protein (p.Arg1308His). This variant is present in population databases (rs771823174, gnomAD 0.02%). This variant has not been reported in the literature in individuals affected with AGRN-related conditions. ClinVar contains an entry for this variant (Variation ID: 658288). Algorithms developed to predict the effect of missense changes on protein structure and function output the following: SIFT: "Deleterious"; PolyPhen-2: "Benign"; Align-GVGD: "Class C0". The histidine amino acid residue is found in multiple mammalian species, which suggests that this missense change does not adversely affect protein function. In summary, the available evidence is currently insufficient to determine the role of this variant in disease. Therefore, it has been classified as a Variant of Uncertain Significance.

NM_198576.4(AGRN):c.3923G>A (p.Arg1308His)

Gene: AGRN (agrin; plus strand). Cytogenetic location: 1p36.33.
Variant type: single nucleotide variant.
Coding change: c.3923G>A on transcript NM_198576.4 (MANE Select); coding-DNA position 3923, G replaced by A.
Protein change: p.Arg1308His; replaces arginine 1308 with histidine.
Molecular consequence: missense variant.
Genome position (GRCh38, 1-based): chr1:1,048,183, G>A. VCF-style: chr1-1048183-G-A. GRCh37 (hg19) VCF-style: chr1-983563-G-A.
Other names: c.3923G>A, p.Arg1308His (NM_001305275.2); c.3608G>A, p.Arg1203His (NM_001364727.2); short protein forms R1308H, R1203H.
Identifiers: ClinVar variation 658288 (VCV000658288.8), dbSNP rs771823174, ClinGen allele CA509275.
Genomic context (GRCh38, chr1:1,048,183, plus strand): 5'-CCCCGCACCCCAGTCACACAAGCCAGCCCGTTGCCAAGACCACGGCAGCCCCCACCACAC[G>A]TCGGCCCCCCACCACTGCCCCCAGCCGTGTGCCCGGACGTCGGCCCCCGGCCCCCCAGCA-3'
Protein context (NP_940978.2, residues 1298-1318): VAKTTAAPTT[Arg1308His]RPPTTAPSRV